The following is an entry in ClinVar:

NM_000481.4(AMT):c.401A>G (p.Asn134Ser)

Gene: AMT (aminomethyltransferase; minus strand). Cytogenetic location: 3p21.31.
Variant type: single nucleotide variant.
Coding change: c.401A>G on transcript NM_000481.4 (MANE Select); coding-DNA position 401, A replaced by G.
Protein change: p.Asn134Ser; replaces asparagine 134 with serine.
Molecular consequence: missense variant. On other transcripts: non-coding transcript variant (1), intron variant (1).
Genome position (GRCh38, 1-based): chr3:49,420,281, T>C on the plus strand (A>G on the coding strand, the complement: AMT is on the minus strand). VCF-style: chr3-49420281-T-C. GRCh37 (hg19) VCF-style: chr3-49457714-T-C.
Other names: c.233A>G, p.Asn78Ser (NM_001164711.2); c.401A>G, p.Asn134Ser (NM_001164712.2); c.340-493A>G (NM_001164710.2); short protein forms N134S, N78S.
Identifiers: ClinVar variation 388539 (VCV000388539.10), dbSNP rs776832405, ClinGen allele CA2398380.

ClinVar aggregate classification (germline): Conflicting classifications of pathogenicity. Review status: criteria provided, conflicting classifications (1 of 4 stars). 4 submissions from 4 submitters: Uncertain significance (2); Likely benign (1). 1 of the submissions does not count toward it. Last evaluated 2024-11-05.

Conditions:
Glycine encephalopathy. Also called: Non-ketotic hyperglycinemia; Nonketotic hyperglycinemia. Identifiers: Orphanet 407, MedGen C0751748, MONDO:0011612, HP:0008288.

Allele frequency attached by ClinVar (database versions not stated): ExAC 0.00002; gnomAD exomes 0.00002 and 0.00003; gnomAD 0.00005 and 0.00006; TOPMed 0.00006.
gnomAD v4.1: 36 of 1,614,084 alleles (0.0022%); highest among the groups gnomAD compares: Middle Eastern, 0.016%; no homozygotes.

Submissions (4):

Labcorp Genetics (formerly Invitae), Labcorp
Classification: Uncertain significance for Glycine encephalopathy. Last evaluated: 2024-11-05. Review status: criteria provided, single submitter. Criteria: Invitae Variant Classification Sherloc (09022015). Collection method: clinical testing. Allele origin: germline.
Comment: This sequence change replaces asparagine, which is neutral and polar, with serine, which is neutral and polar, at codon 134 of the AMT protein (p.Asn134Ser). This variant is present in population databases (rs776832405, gnomAD 0.006%). This variant has not been reported in the literature in individuals affected with AMT-related conditions. ClinVar contains an entry for this variant (Variation ID: 388539). Invitae Evidence Modeling of protein sequence and biophysical properties (such as structural, functional, and spatial information, amino acid conservation, physicochemical variation, residue mobility, and thermodynamic stability) indicates that this missense variant is not expected to disrupt AMT protein function with a negative predictive value of 95%. In summary, the available evidence is currently insufficient to determine the role of this variant in disease. Therefore, it has been classified as a Variant of Uncertain Significance.

Blueprint Genetics
Classification: Likely benign. Last evaluated: 2019-09-14. Review status: criteria provided, single submitter. Criteria: ACMG Guidelines, 2015. Collection method: clinical testing. Allele origin: germline.

GeneDx
Classification: Uncertain significance. Last evaluated: 2016-08-18. Review status: criteria provided, single submitter. Criteria: GeneDx Variant Classification (06012015). Collection method: clinical testing. Allele origin: germline. Affected: yes.
Comment: The N134S variant in the AMT gene has not been reported previously as a pathogenic variant, nor as a benign variant, to our knowledge. The N134S variant was not observed in approximately 6,500 individuals of European and African American ancestry in the NHLBI Exome Sequencing Project, indicating it is not a common benign variant in these populations. The N134S variant is a conservative amino acid substitution, which is not likely to impact secondary protein structure as these residues share similar properties. This substitution occurs at a position that is not conserved. In silico analysis is inconsistent in its predictions as to whether or not the variant is damaging to the protein structure/function. We interpret N134S as a variant of uncertain significance.

Natera, Inc.
Classification: Uncertain significance for Non-ketotic hyperglycinemia. Last evaluated: 2019-10-28. Review status: no assertion criteria provided. Collection method: clinical testing. Allele origin: germline. Not counted in ClinVar's aggregate classification.